The following is an entry in ClinVar:

ClinVar aggregate classification (germline): Likely benign (1 of 4 stars; one submission).

Conditions:
SCFD1-related disorder. Also called: SCFD1-related condition.

gnomAD v4.1: 9 of 1,613,086 alleles (0.00056%); highest among the groups gnomAD compares: East Asian, 0.0045%; no homozygotes.

Submission:

PreventionGenetics, part of Exact Sciences
Classification: Likely benign for SCFD1-related condition. Last evaluated: 2025-04-23. Review status: criteria provided, single submitter. Criteria: ACMG Guidelines, 2015. Collection method: clinical testing. Allele origin: germline.
Comment: This variant is classified as likely benign based on ACMG/AMP sequence variant interpretation guidelines (Richards et al. 2015 PMID: 25741868, with internal and published modifications).

NM_016106.4(SCFD1):c.426A>G (p.Gln142=)

Gene: SCFD1 (sec1 family domain containing 1; plus strand). Cytogenetic location: 14q12.
Variant type: single nucleotide variant.
Coding change: c.426A>G on transcript NM_016106.4 (MANE Select); coding-DNA position 426, A replaced by G.
Protein change: p.Gln142=; no amino-acid change (glutamine 142 retained).
Molecular consequence: synonymous variant. On other transcripts: 5 prime UTR variant (1), intron variant (1).
Genome position (GRCh38, 1-based): chr14:30,638,238, A>G. VCF-style: chr14-30638238-A-G. GRCh37 (hg19) VCF-style: chr14-31107444-A-G.
Other names: c.150A>G, p.Gln50= (NM_001257376.1); c.-42A>G (NM_001283031.1); c.249A>G, p.Gln83= (NM_001283032.1); c.225A>G, p.Gln75= (NM_182835.2); c.-32-5078A>G (NM_001283033.1).
Identifiers: ClinVar variation 4984584 (VCV004984584.1).